The following is an entry in ClinVar:

NM_006516.4(SLC2A1):c.972+5G>A

Gene: SLC2A1 (solute carrier family 2 member 1; minus strand). Cytogenetic location: 1p34.2.
Variant type: single nucleotide variant.
Coding change: c.972+5G>A on transcript NM_006516.4 (MANE Select); 5 bases into the intron after coding-DNA position 972, G replaced by A.
Molecular consequence: intron variant.
Genome position (GRCh38, 1-based): chr1:42,929,205, C>T on the plus strand (G>A on the coding strand, the complement: SLC2A1 is on the minus strand). VCF-style: chr1-42929205-C-T. GRCh37 (hg19) VCF-style: chr1-43394876-C-T.
Identifiers: ClinVar variation 3256746 (VCV003256746.1).

ClinVar aggregate classification (germline): Likely pathogenic (0 of 4 stars; one submission).

Conditions:
Encephalopathy due to GLUT1 deficiency. Also called: Glucose transporter protein syndrome; GLUT1 deficiency syndrome 1; GLUCOSE TRANSPORT DEFECT, BLOOD-BRAIN BARRIER; Classic Glucose Transporter Type 1 Deficiency Syndrome; De Vivo disease; GLUT1 deficiency syndrome 1, infantile onset, severe. Identifiers: Orphanet 71277, MedGen C4551966, MONDO:0011724, OMIM 606777.

Submission:

Solve-RD Consortium
Classification: Likely pathogenic for Encephalopathy due to GLUT1 deficiency. Last evaluated: 2022-06-01. Review status: no assertion criteria provided. Collection method: provider interpretation. Allele origin: inherited. Affected: yes.
Comment: Variant confirmed as disease-causing by referring clinical team

Variant identified during reanalysis of unsolved cases by the Solve-RD project. The Solve-RD project has received funding from the European Union’s Horizon 2020 research and innovation programme under grant agreement No 779257.

Literature cited by the submitters: PubMed 39825153.